The following is an entry in ClinVar:

NM_002439.5(MSH3):c.3109G>T (p.Asp1037Tyr)

Gene: MSH3 (mutS homolog 3; plus strand). Cytogenetic location: 5q14.1.
Variant type: single nucleotide variant.
Coding change: c.3109G>T on transcript NM_002439.5 (MANE Select); coding-DNA position 3109, G replaced by T.
Protein change: p.Asp1037Tyr; replaces aspartic acid 1037 with tyrosine.
Molecular consequence: missense variant.
Genome position (GRCh38, 1-based): chr5:80,864,921, G>T. VCF-style: chr5-80864921-G-T. GRCh37 (hg19) VCF-style: chr5-80160740-G-T.
Other names: c.3109G>T (NM_002439.3); short protein forms D1037Y.
Identifiers: ClinVar variation 1428064 (VCV001428064.9), dbSNP rs1344576103, ClinGen allele CA360346434.

ClinVar aggregate classification (germline): Uncertain significance. Review status: criteria provided, multiple submitters, no conflicts (2 of 4 stars). 2 submissions from 2 submitters: Uncertain significance (2). Last evaluated 2022-12-17.

Conditions:
Hereditary cancer-predisposing syndrome. Also called: Tumor predisposition; Hereditary neoplastic syndrome; Neoplastic Syndromes, Hereditary; Hereditary Cancer Syndrome. Identifiers: Orphanet 140162, MedGen C0027672, MeSH D009386, MONDO:0015356.

Submissions (2):

Ambry Genetics
Classification: Uncertain significance for Hereditary cancer-predisposing syndrome. Last evaluated: 2022-12-17. Review status: criteria provided, single submitter. Criteria: Ambry Variant Classification Scheme 2023. Collection method: clinical testing. Allele origin: germline.
Comment: The p.D1037Y variant (also known as c.3109G>T), located in coding exon 22 of the MSH3 gene, results from a G to T substitution at nucleotide position 3109. The aspartic acid at codon 1037 is replaced by tyrosine, an amino acid with highly dissimilar properties. This amino acid position is conserved. In addition, the in silico prediction for this alteration is inconclusive. Since supporting evidence is limited at this time, the clinical significance of this alteration remains unclear.

Labcorp Genetics (formerly Invitae), Labcorp
Classification: Uncertain significance. Last evaluated: 2020-12-06. Review status: criteria provided, single submitter. Criteria: Invitae Variant Classification Sherloc (09022015). Collection method: clinical testing. Allele origin: germline.
Comment: This variant has not been reported in the literature in individuals with MSH3-related conditions. In summary, the available evidence is currently insufficient to determine the role of this variant in disease. Therefore, it has been classified as a Variant of Uncertain Significance. Algorithms developed to predict the effect of sequence changes on RNA splicing suggest that this variant may create or strengthen a splice site, but this prediction has not been confirmed by published transcriptional studies. Algorithms developed to predict the effect of missense changes on protein structure and function are either unavailable or do not agree on the potential impact of this missense change (SIFT: "Deleterious"; PolyPhen-2: "Possibly Damaging"; Align-GVGD: "Class C0"). This variant is not present in population databases (ExAC no frequency). This sequence change replaces aspartic acid with tyrosine at codon 1037 of the MSH3 protein (p.Asp1037Tyr). The aspartic acid residue is moderately conserved and there is a large physicochemical difference between aspartic acid and tyrosine.